The following is an entry in ClinVar:

NM_000383.4(AIRE):c.1279-2A>G

Gene: AIRE (autoimmune regulator; plus strand). Cytogenetic location: 21q22.3.
Variant type: single nucleotide variant.
Coding change: c.1279-2A>G on transcript NM_000383.4 (MANE Select); the canonical splice acceptor site of the intron before coding-DNA position 1279, A replaced by G.
Molecular consequence: splice acceptor variant.
Genome position (GRCh38, 1-based): chr21:44,293,787, A>G. VCF-style: chr21-44293787-A-G. GRCh37 (hg19) VCF-style: chr21-45713670-A-G.
Identifiers: ClinVar variation 557079 (VCV000557079.9), dbSNP rs1555873087, ClinGen allele CA410425602.

ClinVar aggregate classification (germline): Likely pathogenic. Review status: criteria provided, multiple submitters, no conflicts (2 of 4 stars). 3 submissions from 3 submitters: Likely pathogenic (2). 1 of the submissions does not count toward it. Last evaluated 2025-01-28.

Conditions:
Polyglandular autoimmune syndrome, type 1 (APS1). Also called: APS I; AUTOIMMUNE POLYENDOCRINE SYNDROME, TYPE I, WITH OR WITHOUT REVERSIBLE METAPHYSEAL DYSPLASIA; Autoimmune polyendocrine syndrome type 1; Autoimmune polyendocrinopathy syndrome, type I; HYPOADRENOCORTICISM WITH HYPOPARATHYROIDISM AND SUPERFICIAL MONILIASIS; PGA I. Identifiers: Orphanet 3453, MedGen C0085859, MONDO:0009411, OMIM 240300.

Submissions (3):

Natera, Inc.
Classification: Likely pathogenic for Polyglandular autoimmune syndrome type 1. Last evaluated: 2025-01-28. Review status: criteria provided, single submitter. Criteria: Natera Variant Classification Schema (03/2026). Collection method: clinical testing. Allele origin: germline.
Comment: The c.1279-2A>G variant in AIRE is a canonical splice acceptor site variant predicted to affect pre-mRNA splicing, which may result in an abnormal transcript and altered protein product. This variant is expected to result in nonsense mediated decay, truncation, or a dysfunctional protein product. This variant is rare in the general population with a frequency below the threshold expected for the associated phenotype(s). Given the available evidence, this variant is classified as Likely Pathogenic.

Labcorp Genetics (formerly Invitae), Labcorp
Classification: Likely pathogenic for Polyglandular autoimmune syndrome, type 1. Last evaluated: 2022-05-27. Review status: criteria provided, single submitter. Criteria: Invitae Variant Classification Sherloc (09022015). Collection method: clinical testing. Allele origin: germline.
Comment: This sequence change affects an acceptor splice site in intron 10 of the AIRE gene. It is expected to disrupt RNA splicing. Variants that disrupt the donor or acceptor splice site typically lead to a loss of protein function (PMID: 16199547), and loss-of-function variants in AIRE are known to be pathogenic (PMID: 11524731, 26141571). This variant is not present in population databases (gnomAD no frequency). This variant has not been reported in the literature in individuals affected with AIRE-related conditions. ClinVar contains an entry for this variant (Variation ID: 557079). Algorithms developed to predict the effect of sequence changes on RNA splicing suggest that this variant may disrupt the consensus splice site. In summary, the currently available evidence indicates that the variant is pathogenic, but additional data are needed to prove that conclusively. Therefore, this variant has been classified as Likely Pathogenic.

Counsyl
Classification: Likely pathogenic for Polyglandular autoimmune syndrome, type 1. Last evaluated: 2018-03-07. Review status: no assertion criteria provided. Collection method: clinical testing. Allele origin: unknown. Not counted in ClinVar's aggregate classification.

Literature cited by the submitters: PubMed 16199547 (cited by Labcorp Genetics (formerly Invitae), Labcorp); PubMed 11524731 (cited by Labcorp Genetics (formerly Invitae), Labcorp); PubMed 26141571 (cited by Labcorp Genetics (formerly Invitae), Labcorp).